The following is an entry in ClinVar:

NM_001134407.3(GRIN2A):c.4373C>T (p.Pro1458Leu)

Gene: GRIN2A (glutamate ionotropic receptor NMDA type subunit 2A; minus strand). Cytogenetic location: 16p13.2.
Variant type: single nucleotide variant.
Coding change: c.4373C>T on transcript NM_001134407.3 (MANE Select); coding-DNA position 4373, C replaced by T.
Protein change: p.Pro1458Leu; replaces proline 1458 with leucine.
Molecular consequence: missense variant. On other transcripts: 3 prime UTR variant (1).
Genome position (GRCh38, 1-based): chr16:9,763,171, G>A on the plus strand (C>T on the coding strand, the complement: GRIN2A is on the minus strand). VCF-style: chr16-9763171-G-A. GRCh37 (hg19) VCF-style: chr16-9857028-G-A.
Other names: c.4373C>T, p.Pro1458Leu (NM_000833.5); c.*184C>T (NM_001134408.2); c.4373C>T (NM_000833.3); short protein forms P1458L.
Identifiers: ClinVar variation 1715275 (VCV001715275.7), dbSNP rs933017490, ClinGen allele CA277535732.

ClinVar aggregate classification (germline): Uncertain significance. Review status: criteria provided, multiple submitters, no conflicts (2 of 4 stars). 2 submissions from 2 submitters: Uncertain significance (2). Last evaluated 2025-01-15.

Conditions:
Landau-Kleffner syndrome (FESD). Also called: EPILEPSY, FOCAL, WITH SPEECH DISORDER AND WITH OR WITHOUT MENTAL RETARDATION; APHASIA, ACQUIRED, WITH EPILEPSY. Identifiers: Orphanet 1945, Orphanet 725, Orphanet 98818, MedGen C0282512, MONDO:0009509, OMIM 245570.

Submissions (2):

GeneDx
Classification: Uncertain significance. Last evaluated: 2025-01-15. Review status: criteria provided, single submitter. Criteria: GeneDx Variant Classification Process June 2021. Collection method: clinical testing. Allele origin: germline. Affected: yes.
Comment: Not observed at significant frequency in large population cohorts (gnomAD); In silico analysis supports that this missense variant has a deleterious effect on protein structure/function; Has not been previously published as pathogenic or benign to our knowledge

Labcorp Genetics (formerly Invitae), Labcorp
Classification: Uncertain significance for Landau-Kleffner syndrome. Last evaluated: 2024-10-07. Review status: criteria provided, single submitter. Criteria: Invitae Variant Classification Sherloc (09022015). Collection method: clinical testing. Allele origin: germline.
Comment: This sequence change replaces proline, which is neutral and non-polar, with leucine, which is neutral and non-polar, at codon 1458 of the GRIN2A protein (p.Pro1458Leu). This variant is not present in population databases (gnomAD no frequency). This variant has not been reported in the literature in individuals affected with GRIN2A-related conditions. ClinVar contains an entry for this variant (Variation ID: 1715275). Invitae Evidence Modeling of protein sequence and biophysical properties (such as structural, functional, and spatial information, amino acid conservation, physicochemical variation, residue mobility, and thermodynamic stability) indicates that this missense variant is not expected to disrupt GRIN2A protein function with a negative predictive value of 95%. In summary, the available evidence is currently insufficient to determine the role of this variant in disease. Therefore, it has been classified as a Variant of Uncertain Significance.